The following is an entry in ClinVar:

NM_001270.4(CHD1):c.1279G>C (p.Ala427Pro)

Gene: CHD1 (chromodomain helicase DNA binding protein 1; minus strand). Cytogenetic location: 5q15.
Variant type: single nucleotide variant.
Coding change: c.1279G>C on transcript NM_001270.4 (MANE Select); coding-DNA position 1279, G replaced by C.
Protein change: p.Ala427Pro; replaces alanine 427 with proline.
Molecular consequence: missense variant. On other transcripts: non-coding transcript variant (2).
Genome position (GRCh38, 1-based): chr5:98,898,342, C>G on the plus strand (G>C on the coding strand, the complement: CHD1 is on the minus strand). VCF-style: chr5-98898342-C-G. GRCh37 (hg19) VCF-style: chr5-98234046-C-G.
Other names: c.1279G>C, p.Ala427Pro (NM_001364113.3, NM_001376194.2); short protein forms A427P.
Identifiers: ClinVar variation 2504372 (VCV002504372.1), dbSNP rs2479690472, ClinGen allele CA360519835.

ClinVar aggregate classification (germline): Uncertain significance (1 of 4 stars; one submission).

Allele frequency attached by ClinVar (database versions not stated): gnomAD exomes below 0.00001.
gnomAD v4.1: 1 of 1,602,616 alleles (0.000062%); highest among the groups gnomAD compares: African/African-American, 0.0013%; no homozygotes.

Submission:

GeneDx
Classification: Uncertain significance. Last evaluated: 2022-12-02. Review status: criteria provided, single submitter. Criteria: GeneDx Variant Classification Process June 2021. Collection method: clinical testing. Allele origin: germline. Affected: yes.
Comment: Not observed at significant frequency in large population cohorts (gnomAD); In silico analysis supports that this missense variant has a deleterious effect on protein structure/function; Has not been previously published as pathogenic or benign to our knowledge